The following is an entry in ClinVar:

NM_001982.4(ERBB3):c.3355A>T (p.Ser1119Cys)

Gene: ERBB3 (erb-b2 receptor tyrosine kinase 3; plus strand). Cytogenetic location: 12q13.2.
Variant type: single nucleotide variant.
Coding change: c.3355A>T on transcript NM_001982.4 (MANE Select); coding-DNA position 3355, A replaced by T.
Protein change: p.Ser1119Cys; replaces serine 1119 with cysteine.
Molecular consequence: missense variant.
Genome position (GRCh38, 1-based): chr12:56,101,214, A>T. VCF-style: chr12-56101214-A-T. GRCh37 (hg19) VCF-style: chr12-56494998-A-T.
Other names: short protein forms S1119C.
Identifiers: ClinVar variation 1178942 (VCV001178942.4), dbSNP rs773123, ClinGen allele CA6622923.

ClinVar aggregate classification (germline): Benign. Review status: criteria provided, multiple submitters, no conflicts (2 of 4 stars). 3 submissions from 3 submitters: Benign (3). Last evaluated 2026-02-02.

Allele frequency attached by ClinVar (database versions not stated): gnomAD exomes 0.08883 and 0.10716; TOPMed 0.09153; ESP Exome Variant Server 0.09995; 1000 Genomes Project 0.06649; ExAC 0.09079; 1000 Genomes Project 30x 0.06949; gnomAD 0.09687 and 0.09512.
gnomAD v4.1: 170,707 of 1,613,498 alleles (11%); highest among the groups gnomAD compares: Non-Finnish European, 12%; 9,756 homozygotes.

Submissions (3):

Labcorp Genetics (formerly Invitae), Labcorp
Classification: Benign. Last evaluated: 2026-02-02. Review status: criteria provided, single submitter. Criteria: Invitae Variant Classification Sherloc (09022015). Collection method: clinical testing. Allele origin: germline.

GeneDx
Classification: Benign. Last evaluated: 2019-05-13. Review status: criteria provided, single submitter. Criteria: GeneDx Variant Classification Process June 2021. Collection method: clinical testing. Allele origin: germline. Affected: yes.
Comment: This variant is associated with the following publications: (PMID: 30071039)

Breakthrough Genomics
Classification: Benign. Review status: criteria provided, single submitter. Criteria: ACMG Guidelines, 2015. Collection method: not provided. Allele origin: germline. Inheritance: Autosomal recessive inheritance. Affected: yes.